The following is an entry in ClinVar:

NM_022575.4(VPS16):c.1637G>A (p.Gly546Glu)

Genes: PTPRA (protein tyrosine phosphatase receptor type A; plus strand), VPS16 (VPS16 core subunit of CORVET and HOPS complexes; plus strand). Cytogenetic location: 20p13.
Variant type: single nucleotide variant.
Coding change: c.1637G>A on transcript NM_022575.4 (MANE Select); coding-DNA position 1637, G replaced by A.
Protein change: p.Gly546Glu; replaces glycine 546 with glutamic acid.
Molecular consequence: missense variant. On other transcripts: 5 prime UTR variant (1).
Genome position (GRCh38, 1-based): chr20:2,864,204, G>A. VCF-style: chr20-2864204-G-A. GRCh37 (hg19) VCF-style: chr20-2844850-G-A.
Other names: c.-666G>A (NM_002836.4); c.1205G>A, p.Gly402Glu (NM_080413.3); short protein forms G546E, G402E.
Identifiers: ClinVar variation 4984533 (VCV004984533.1).

ClinVar aggregate classification (germline): Uncertain significance (1 of 4 stars; one submission).

Conditions:
VPS16-related disorder. Also called: VPS16-related condition.

gnomAD v4.1: 8 of 1,614,090 alleles (0.0005%); highest among the groups gnomAD compares: Non-Finnish European, 0.00059%; no homozygotes.

Submission:

PreventionGenetics, part of Exact Sciences
Classification: Uncertain significance for VPS16-related condition. Last evaluated: 2024-11-14. Review status: criteria provided, single submitter. Criteria: ACMG Guidelines, 2015. Collection method: clinical testing. Allele origin: germline.
Comment: The VPS16 c.1637G>A variant is predicted to result in the amino acid substitution p.Gly546Glu. To our knowledge, this variant has not been reported in the literature or in a large population database (gnomAD), indicating this variant is rare. At this time, the clinical significance of this variant is uncertain due to the absence of conclusive functional and genetic evidence.